The following is an entry in ClinVar:

ClinVar aggregate classification (germline): Pathogenic/Likely pathogenic. Review status: criteria provided, multiple submitters, no conflicts (2 of 4 stars). 9 submissions from 9 submitters: Pathogenic (5); Likely pathogenic (3). 1 of the submissions does not count toward it. Last evaluated 2026-01-27.

Conditions:
PMM2-related disorder. Also called: PMM2-related condition.
PMM2-congenital disorder of glycosylation. Also called: CDG Ia; JAEKEN SYNDROME; PMM2-CDG; PHOSPHOMANNOMUTASE 2 DEFICIENCY; CARBOHYDRATE-DEFICIENT GLYCOPROTEIN SYNDROME, TYPE Ia; Congenital disorder of glycosylation, type Ia. Identifiers: Orphanet 79318, MedGen C0349653, MONDO:0008907, OMIM 212065.

Allele frequency attached by ClinVar (database versions not stated): ExAC 0.00001; gnomAD 0.00001 and 0.00002; TOPMed 0.00001; gnomAD exomes 0.00004; 1000 Genomes Project 30x 0.00016; 1000 Genomes Project 0.00020.
gnomAD v4.1: 32 of 1,603,480 alleles (0.002%); highest among the groups gnomAD compares: Admixed American, 0.0083%; no homozygotes.

Submissions (9):

Labcorp Genetics (formerly Invitae), Labcorp
Classification: Pathogenic for PMM2-congenital disorder of glycosylation. Last evaluated: 2026-01-27. Review status: criteria provided, single submitter. Criteria: Invitae Variant Classification Sherloc (09022015). Collection method: clinical testing. Allele origin: germline.
Comment: This sequence change replaces phenylalanine, which is neutral and non-polar, with serine, which is neutral and polar, at codon 207 of the PMM2 protein (p.Phe207Ser). This variant is present in population databases (rs532870929, gnomAD 0.01%). This missense change has been observed in individual(s) with congenital disorder of glycosylation type Ia or with related clinical features (PMID: 12705494, 19396570, 21541725, 28373276). ClinVar contains an entry for this variant (Variation ID: 189141). Invitae Evidence Modeling of protein sequence and biophysical properties (such as structural, functional, and spatial information, amino acid conservation, physicochemical variation, residue mobility, and thermodynamic stability) indicates that this missense variant is expected to disrupt PMM2 protein function with a positive predictive value of 95%. Experimental studies have shown that this missense change affects PMM2 function (PMID: 21541725). For these reasons, this variant has been classified as Pathogenic.

Natera, Inc.
Classification: Pathogenic for Congenital disorder of glycosylation type 1a. Last evaluated: 2025-11-24. Review status: criteria provided, single submitter. Criteria: Natera Variant Classification Schema (03/2026). Collection method: clinical testing. Allele origin: germline.
Comment: The c.620T>C variant in PMM2 is a missense variant predicted to cause substitution of phenylalanine to serine at amino acid 207. This variant is rare in the general population with a frequency below the threshold expected for the associated phenotype(s). This variant has been observed in one or more individuals affected with the associated recessive disease, as either homozygous or compound heterozygous with a second variant (PMID: 38599261, 32635232, 30873657, 29470411, 21541725, 19396570, 12705494). Computational prediction algorithms indicate this variant is likely to affect gene or protein function. Given the available evidence, this variant is classified as Pathogenic.

PreventionGenetics, part of Exact Sciences
Classification: Likely pathogenic for PMM2-related condition. Last evaluated: 2025-11-24. Review status: criteria provided, single submitter. Criteria: ACMG Guidelines, 2015. Collection method: clinical testing. Allele origin: germline.
Comment: The PMM2 c.620T>C variant is predicted to result in the amino acid substitution p.Phe207Ser. This variant has been reported along with a second heterozygous PMM2 variant in multiple individuals with congenital disorder of glycosylation type 1a (Briones et al. 2002. PubMed ID: 12705494; Shanti et al. 2009. PubMed ID: 19396570; Vega et al. 2011. PubMed ID: 21541725). It has also been reported in the compound heterozygous state with a pathogenic variant in the PMM2 promoter region (c.-167G>T) in two members of a single family with hyperinsulemic hypoglycemia and polycystic kidney disease (Cabezas et al. 2017. PubMed ID: 28373276). In vitro experimental studies have shown this variant causes protein misfolding and structural instability, resulting in rapid degradation and a complete loss of enzymatic activity (Vega et al. 2011. PubMed ID: 21541725; Yuste-Checa et al. 2015. PubMed ID: 26014514). This variant is reported in 0.011% of alleles in individuals of Latino descent in gnomAD. This variant is interpreted as likely pathogenic.

Variantyx, Inc.
Classification: Likely pathogenic for PMM2-congenital disorder of glycosylation. Last evaluated: 2025-03-28. Review status: criteria provided, single submitter. Criteria: Variantyx Assertion Criteria 2022. Collection method: clinical testing. Allele origin: germline.
Comment: This is a nonsynonymous variant in the PMM2 gene (OMIM: 601785). Pathogenic variants in this gene have been associated with autosomal recessive congenital disorder of glycosylation type Ia. This variant has been identified in the homozygous or compound heterozygous state in several individuals from the published literature (PMID: 12705494, 19396570, 21541725, 28373276, 32635232, 34420056)(PM3_Strong). Functional studies have shown that this variant alters PMM2 protein function (PMID: 21541725) (PS3_Moderate). Multiple computational algorithms predict a deleterious effect for this variant (REVEL score: 0.982) (PP3_Moderate). This variant has a 0.0083% maximum allele frequency in non-founder control populations (PM2_Supporting). Based on the current evidence, this variant is classified as likely pathogenic for autosomal recessive congenital disorder of glycosylation type Ia.

Baylor Genetics
Classification: Pathogenic for PMM2-congenital disorder of glycosylation. Last evaluated: 2024-03-12. Review status: criteria provided, single submitter. Criteria: ACMG Guidelines, 2015. Collection method: clinical testing. Allele origin: unknown.

Fulgent Genetics
Classification: Likely pathogenic for PMM2-congenital disorder of glycosylation. Last evaluated: 2024-03-07. Review status: criteria provided, single submitter. Criteria: ACMG Guidelines, 2015. Collection method: clinical testing. Allele origin: germline.

Women's Health and Genetics/Laboratory Corporation of America, LabCorp
Classification: Pathogenic for PMM2-congenital disorder of glycosylation. Last evaluated: 2023-02-14. Review status: criteria provided, single submitter. Criteria: LabCorp Variant Classification Summary - May 2015. Collection method: clinical testing. Allele origin: germline.
Comment: Variant summary: PMM2 c.620T>C (p.Phe207Ser) results in a non-conservative amino acid change in the encoded protein sequence. Five of five in-silico tools predict a damaging effect of the variant on protein function. The variant allele was found at a frequency of 3.6e-05 in 251474 control chromosomes. c.620T>C has been reported in the literature in multiple individuals affected with Congenital Disorder Of Glycosylation Type 1a (eg. Cabezas_2017, Francisco_2020, Parrado_2022, etc). These data indicate that the variant is very likely to be associated with disease. At least one publication reports experimental evidence evaluating an impact on protein function. The most pronounced variant effect results in <10% of normal activity (Vega_2011). Four clinical diagnostic laboratories have submitted clinical-significance assessments for this variant to ClinVar after 2014 without evidence for independent evaluation. All laboratories classified the variant as pathogenic/likely pathogenic. Based on the evidence outlined above, the variant was classified as pathogenic.

Juno Genomics, Hangzhou Juno Genomics, Inc
Classification: Pathogenic for PMM2-congenital disorder of glycosylation. Review status: criteria provided, single submitter. Criteria: ACMG Guidelines, 2015. Collection method: clinical testing. Allele origin: germline.
Comment: Absent from controls (or at extremely low frequency if recessive) in Genome Aggregation Database.;Well-established in vitro or in vivo functional studies supportive of a damaging effect on the gene or gene product.;For recessive disorders, detected in trans with a pathogenic variant.;Patient's phenotype or family history is highly specific for a disease with a single genetic etiology.;Co-segregation with disease in multiple affected family members.

Counsyl
Classification: Likely pathogenic for Carbohydrate-deficient glycoprotein syndrome type I. Last evaluated: 2015-01-22. Review status: no assertion criteria provided. Collection method: literature only. Allele origin: unknown. Inheritance: Autosomal recessive inheritance. Not counted in ClinVar's aggregate classification.

Literature cited by the submitters: PubMed 12705494 (cited by 3 submitters); PubMed 19396570 (cited by 3 submitters); PubMed 21541725 (cited by 4 submitters); PubMed 28373276 (cited by Labcorp Genetics (formerly Invitae), Labcorp and Women's Health and Genetics/Laboratory Corporation of America, LabCorp); PubMed 38599261 (cited by Natera, Inc.); PubMed 32635232 (cited by Natera, Inc. and Women's Health and Genetics/Laboratory Corporation of America, LabCorp); PubMed 30873657 (cited by Natera, Inc.); PubMed 29470411 (cited by Natera, Inc.); PubMed 34420056 (cited by Women's Health and Genetics/Laboratory Corporation of America, LabCorp); PubMed 23430838 (cited by Counsyl); PubMed 11058896 (cited by Counsyl).

NM_000303.3(PMM2):c.620T>C (p.Phe207Ser)

Gene: PMM2 (phosphomannomutase 2; plus strand). Cytogenetic location: 16p13.2.
Variant type: single nucleotide variant.
Coding change: c.620T>C on transcript NM_000303.3 (MANE Select); coding-DNA position 620, T replaced by C.
Protein change: p.Phe207Ser; replaces phenylalanine 207 with serine.
Molecular consequence: missense variant.
Genome position (GRCh38, 1-based): chr16:8,813,087, T>C. VCF-style: chr16-8813087-T-C. GRCh37 (hg19) VCF-style: chr16-8906944-T-C.
Other names: short protein forms F207S.
Identifiers: ClinVar variation 189141 (VCV000189141.22), dbSNP rs532870929, ClinGen allele CA274410.